The following is an entry in ClinVar:

ClinVar aggregate classification (germline): Benign/Likely benign. Review status: criteria provided, multiple submitters, no conflicts (2 of 4 stars). 6 submissions from 6 submitters: Benign (1); Likely benign (5). Last evaluated 2024-07-30.

Conditions:
Familial adenomatous polyposis 1 (FAP1). Also called: FAMILIAL ADENOMATOUS POLYPOSIS 1, ATTENUATED; POLYPOSIS, ADENOMATOUS INTESTINAL. Identifiers: MedGen C2713442, MONDO:0021056, OMIM 175100. Disease mechanism: loss of function.
Classic or attenuated familial adenomatous polyposis. Identifiers: MedGen CN372698, MONDO:0021057.
Hereditary cancer-predisposing syndrome. Also called: Hereditary Cancer Syndrome; Neoplastic Syndromes, Hereditary; Tumor predisposition; Hereditary neoplastic syndrome. Identifiers: Orphanet 140162, MedGen C0027672, MeSH D009386, MONDO:0015356.

Allele frequency attached by ClinVar (database versions not stated): gnomAD 0.00003.

Submissions (6):

Labcorp Genetics (formerly Invitae), Labcorp
Classification: Likely benign for Familial adenomatous polyposis 1. Last evaluated: 2024-07-30. Review status: criteria provided, single submitter. Criteria: Invitae Variant Classification Sherloc (09022015). Collection method: clinical testing. Allele origin: germline.

Myriad Genetics, Inc.
Classification: Benign for Familial adenomatous polyposis 1. Last evaluated: 2024-04-11. Review status: criteria provided, single submitter. Criteria: Myriad Autosomal Dominant, Autosomal Recessive and X-Linked Classification Criteria (2023). Collection method: clinical testing. Allele origin: unknown.
Comment: This variant is considered benign. This variant is a silent/synonymous amino acid change and it is not expected to impact splicing.

All of Us Research Program, National Institutes of Health
Classification: Likely benign for Classic or attenuated familial adenomatous polyposis. Last evaluated: 2023-12-01. Review status: criteria provided, single submitter. Criteria: ACMG Guidelines, 2015. Collection method: clinical testing. Allele origin: germline. Inheritance: Autosomal dominant inheritance. Observed: 3 variant alleles, 3 heterozygotes.
Comment: This study involves interpretation of variants in research participants for the purpose of population health screening. Participant phenotype was not available at the time of variant classification. Additional details can be found in publication PMID: 35346344, PMCID: PMC8962531

GeneDx
Classification: Likely benign. Last evaluated: 2021-01-12. Review status: criteria provided, single submitter. Criteria: GeneDx Variant Classification Process June 2021. Collection method: clinical testing. Allele origin: germline. Affected: yes.

Ambry Genetics
Classification: Likely benign for Hereditary cancer-predisposing syndrome. Last evaluated: 2020-10-29. Review status: criteria provided, single submitter. Criteria: Ambry Variant Classification Scheme 2023. Collection method: clinical testing. Allele origin: germline.

Color Diagnostics, LLC DBA Color Health
Classification: Likely benign for Hereditary cancer-predisposing syndrome. Last evaluated: 2018-04-10. Review status: criteria provided, single submitter. Criteria: ACMG Guidelines, 2015. Collection method: clinical testing. Allele origin: germline.

NM_000038.6(APC):c.7872T>C (p.Asn2624=)

Gene: APC (APC regulator of Wnt signaling pathway; plus strand). Cytogenetic location: 5q22.2.
Variant type: single nucleotide variant.
Coding change: c.7872T>C on transcript NM_000038.6 (MANE Select); coding-DNA position 7872, T replaced by C.
Protein change: p.Asn2624=; no amino-acid change (asparagine 2624 retained).
Molecular consequence: synonymous variant.
Genome position (GRCh38, 1-based): chr5:112,843,466, T>C. VCF-style: chr5-112843466-T-C. GRCh37 (hg19) VCF-style: chr5-112179163-T-C.
Other names: c.7872T>C, p.Asn2624= (NM_001127510.3, NM_001354895.2); c.7818T>C, p.Asn2606= (NM_001127511.3); c.7926T>C, p.Asn2642= (NM_001354896.2); c.7902T>C, p.Asn2634= (NM_001354897.2); c.7797T>C, p.Asn2599= (NM_001354898.2); c.7788T>C, p.Asn2596= (NM_001354899.2); c.7749T>C, p.Asn2583= (NM_001354900.2); c.7695T>C, p.Asn2565= (NM_001354901.2); and 5 more.
Identifiers: ClinVar variation 516280 (VCV000516280.21), dbSNP rs1298254479, ClinGen allele CA446210926.